The following is an entry in ClinVar:

ClinVar aggregate classification (germline): Uncertain significance (1 of 4 stars; one submission).

Submission:

Labcorp Genetics (formerly Invitae), Labcorp
Classification: Uncertain significance. Last evaluated: 2025-11-18. Review status: criteria provided, single submitter. Criteria: Invitae Variant Classification Sherloc (09022015). Collection method: clinical testing. Allele origin: germline.
Comment: This sequence change falls in intron 26 of the DUOX2 gene. It does not directly change the encoded amino acid sequence of the DUOX2 protein. This variant is not present in population databases (gnomAD no frequency). This variant has not been reported in the literature in individuals affected with DUOX2-related conditions. Algorithms developed to predict the effect of sequence changes on RNA splicing suggest that this variant may disrupt the consensus splice site. In summary, the available evidence is currently insufficient to determine the role of this variant in disease. Therefore, it has been classified as a Variant of Uncertain Significance.

NM_001363711.2(DUOX2):c.3515+10G>A

Gene: DUOX2 (dual oxidase 2; minus strand). Cytogenetic location: 15q21.1.
Variant type: single nucleotide variant.
Coding change: c.3515+10G>A on transcript NM_001363711.2 (MANE Select); 10 bases into the intron after coding-DNA position 3515, G replaced by A.
Molecular consequence: intron variant.
Genome position (GRCh38, 1-based): chr15:45,099,373, C>T on the plus strand (G>A on the coding strand, the complement: DUOX2 is on the minus strand). VCF-style: chr15-45099373-C-T. GRCh37 (hg19) VCF-style: chr15-45391571-C-T.
Other names: c.3515+10G>A (NM_014080.5).
Identifiers: ClinVar variation 4781782 (VCV004781782.1).